The following is an entry in ClinVar:

NM_001199397.3(NEK1):c.977del (p.Asp326fs)

Gene: NEK1 (NIMA related kinase 1; minus strand). Cytogenetic location: 4q33.
Variant type: Deletion.
Coding change: c.977del on transcript NM_001199397.3 (MANE Select); coding-DNA position 977, one base deleted (A; older notation c.977delA).
Protein change: p.Asp326fs; shifts the reading frame from aspartic acid 326.
Molecular consequence: frameshift variant. On other transcripts: non-coding transcript variant (2).
Genome position (GRCh38, 1-based): chr4:169,576,971, T deleted on the plus strand (A on the coding strand, the reverse complement: NEK1 is on the minus strand). VCF-style (leftmost placement, unchanged base first): chr4-169576970-AT-A. GRCh37 (hg19) VCF-style: chr4-170498121-AT-A.
Other names: c.977del, p.Asp326fs (NM_001199398.3, NM_001199399.3, NM_001199400.3 and 11 more transcripts); c.356del, p.Asp119fs (NM_001440624.1, NM_001440625.1); short protein forms D119fs, D326fs.
Identifiers: ClinVar variation 4997087 (VCV004997087.1).

ClinVar aggregate classification (germline): Likely pathogenic (1 of 4 stars; one submission).

Conditions:
NEK1-related disorder. Also called: NEK1-related condition.

Submission:

PreventionGenetics, part of Exact Sciences
Classification: Likely pathogenic for NEK1-related condition. Last evaluated: 2024-12-30. Review status: criteria provided, single submitter. Criteria: ACMG Guidelines, 2015. Collection method: clinical testing. Allele origin: germline.
Comment: The NEK1 c.977delA variant is predicted to result in a frameshift and premature protein termination (p.Asp326Valfs*24). To our knowledge, this variant has not been reported in the literature or in a large population database (gnomAD), indicating this variant is rare. Frameshift variants in NEK1 are expected to be pathogenic. This variant is interpreted as likely pathogenic.